The following is an entry in ClinVar:

NM_000297.4(PKD2):c.1249C>T (p.Arg417Ter)

Gene: PKD2 (polycystin 2, transient receptor potential cation channel; plus strand). Cytogenetic location: 4q22.1.
Variant type: single nucleotide variant.
Coding change: c.1249C>T on transcript NM_000297.4 (MANE Select); coding-DNA position 1249, C replaced by T.
Protein change: p.Arg417Ter; replaces arginine 417 with a stop codon.
Molecular consequence: nonsense. On other transcripts: non-coding transcript variant (1).
Genome position (GRCh38, 1-based): chr4:88,043,387, C>T. VCF-style: chr4-88043387-C-T. GRCh37 (hg19) VCF-style: chr4-88964539-C-T.
Other names: p.Arg417*; short protein forms R417*.
Identifiers: ClinVar variation 562248 (VCV000562248.69), dbSNP rs1324209174, ClinGen allele CA357615936.
Genomic context (GRCh38, chr4:88,043,387, plus strand): 5'-AGAACAAGAGAGGAAACAGCTGCACAAGTTGCTAGCCTCAAGAAAAATGTCTGGCTGGAC[C>T]GAGGAACCAGGGCAACTTTTATTGACTTCTCAGTGTACAACGCCAACATTAACCTGTTCT-3'

ClinVar aggregate classification (germline): Pathogenic/Likely pathogenic. Review status: criteria provided, multiple submitters, no conflicts (2 of 4 stars). 24 submissions from 24 submitters: Pathogenic (19); Likely pathogenic (1). 4 of the submissions do not count toward it. Last evaluated 2026-09-08.

Conditions:
PKD2-related disorder. Also called: PKD2-related condition.
Autosomal dominant polycystic kidney disease. Identifiers: Orphanet 730, MedGen C0085413, MONDO:0004691.
Polycystic kidney disease. Also called: Polycystic kidney dysplasia; Kidney, Polycystic. Identifiers: MedGen C0022680, MeSH D007690, MONDO:0020642, HP:0000113.
Biliary tract abnormality. Identifiers: MedGen C0549613, MONDO:0004868, HP:0001080.
Inborn genetic diseases. Identifiers: MedGen C0950123, MeSH D030342.
Polycystic kidney disease 2 (PKD2). Also called: POLYCYSTIC KIDNEY DISEASE, ADULT, TYPE II; POLYCYSTIC KIDNEY DISEASE 2 WITH OR WITHOUT POLYCYSTIC LIVER DISEASE; Polycystic Kidney Disease 2, Autosomal Dominant. Identifiers: MedGen C2751306, MONDO:0013131, OMIM 613095.

Allele frequency attached by ClinVar (database versions not stated): gnomAD exomes below 0.00001; gnomAD 0.00001.
gnomAD v4.1: 7 of 1,613,828 alleles (0.00043%); highest among the groups gnomAD compares: African/African-American, 0.0013%; no homozygotes.

Submissions 1 to 14 of 24:

Ambry Genetics
Classification: Pathogenic for Inborn genetic diseases. Last evaluated: 2026-09-08. Review status: criteria provided, single submitter. Criteria: Ambry Variant Classification Scheme 2023. Collection method: clinical testing. Allele origin: germline.
Comment: The c.1249C>T (p.R417*) alteration, located in exon 5 (coding exon 5) of the PKD2 gene, consists of a C to T substitution at nucleotide position 1249. This changes the amino acid from a arginine (R) to a stop codon at amino acid position 417. This variant is expected to result in loss of function by premature protein truncation or nonsense-mediated mRNA decay. Based on data from gnomAD, the T allele has an overall frequency of 0.003% (1/31390) total alleles studied. The highest observed frequency was 0.012% (1/8702) of African alleles. This variant was reported in individual(s) with features consistent with PKD2-related polycystic kidney disease (Nigro, 2023; Kimura, 2023; Lindemann, 2023; Kim, 2019; Cornec-Le Gall, 2017; Chang, 2022; Rossetti, 2012; Zhang, 2005; Torra, 1999). Based on the available evidence, this alteration is classified as pathogenic.

PreventionGenetics, part of Exact Sciences
Classification: Pathogenic for PKD2-related condition. Last evaluated: 2026-08-20. Review status: criteria provided, single submitter. Criteria: ACMG Guidelines, 2015. Collection method: clinical testing. Allele origin: germline.
Comment: The PKD2 c.1249C>T variant is predicted to result in premature protein termination (p.Arg417*). This variant has been widely reported in individuals with autosomal dominant polycystic kidney disease (ADPKD) (see for example, Pei et al. 1998. PubMed ID: 9773786; Table S7, Groopman et al. 2018. PubMed ID: 30586318). This variant is reported in 0.011% of alleles in individuals of African descent in gnomAD. Nonsense variants in PKD2 are expected to be pathogenic. This variant is interpreted as pathogenic.

Variantyx, Inc.
Classification: Pathogenic for Polycystic kidney disease 2. Last evaluated: 2025-06-19. Review status: criteria provided, single submitter. Criteria: Variantyx Assertion Criteria 2022. Collection method: clinical testing. Allele origin: germline. Inheritance: Autosomal dominant inheritance. Affected: yes.
Comment: This is a nonsense variant in the PKD2 gene (OMIM: 173910). Pathogenic variants in this gene have been associated with autosomal dominant polycystic kidney disease 2. This variant introduces a premature termination codon in exon 5 out of 15 and is expected to result in loss of function, which is a known disease mechanism for PKD2 in this disorder (PMID: 8650545, 9402976, 22863349) (PVS1). This variant has been reported in at least 8 unrelated affected individuals (PMID: 30586318, 30820006, 22508176, 34101167, 21115670, 10760080, 23300259, 29520754) (PS4_Moderate). It has a 0.0013% maximum allele frequency in non-founder control populations (PM2). Based on the current evidence, this variant is classified as pathogenic for autosomal dominant polycystic kidney disease 2.

Women's Health and Genetics/Laboratory Corporation of America, LabCorp
Classification: Pathogenic for Polycystic kidney disease 2. Last evaluated: 2025-06-10. Review status: criteria provided, single submitter. Criteria: LabCorp Variant Classification Summary - May 2015. Collection method: clinical testing. Allele origin: germline.
Comment: Variant summary: PKD2 c.1249C>T (p.Arg417X) results in a premature termination codon, predicted to cause a truncation of the encoded protein or absence of the protein due to nonsense mediated decay, which are commonly known mechanisms for disease. The variant was absent in 251102 control chromosomes. c.1249C>T has been observed in individuals affected with Polycystic Kidney Disease 2 (e.g. Kim_2019). These data indicate that the variant may be associated with disease. To our knowledge, no experimental evidence demonstrating an impact on protein function has been reported. The following publication has been ascertained in the context of this evaluation (PMID: 31740684). ClinVar contains an entry for this variant (Variation ID: 562248). Based on the evidence outlined above, the variant was classified as pathogenic.

3billion
Classification: Pathogenic for Polycystic kidney disease 2. Last evaluated: 2025-03-16. Review status: criteria provided, single submitter. Criteria: ACMG Guidelines, 2015. Collection method: clinical testing. Allele origin: germline. Affected: yes.
Comment: The variant is observed at an extremely low frequency in the gnomAD v4.1.0 dataset (total allele frequency: <0.001%). Predicted Consequence/Location: Stop-gained (nonsense): predicted to result in a loss or disruption of normal protein function through nonsense-mediated decay (NMD) or protein truncation. Multiple pathogenic variants are reported downstream of the variant. The variant has been reported at least twice as pathogenic with clinical assertions and evidence for the classification (ClinVar ID: VCV000562248 / PMID: 9773786).Therefore, this variant is classified as Pathogenic according to the recommendation of ACMG/AMP guideline.

Mayo Clinic Laboratories, Mayo Clinic
Classification: Pathogenic. Last evaluated: 2025-01-29. Review status: criteria provided, single submitter. Criteria: ACMG Guidelines, 2015. Collection method: clinical testing. Allele origin: germline. Observed: 1 variant allele.
Comment: PP1, PS4_moderate, PVS1

Department of Clinical Genetics, Copenhagen University Hospital, Rigshospitalet
Classification: Pathogenic for Polycystic kidney disease 2. Last evaluated: 2024-12-10. Review status: criteria provided, single submitter. Criteria: ACMG Guidelines, 2015. Collection method: clinical testing. Allele origin: germline.
Comment: PVS1_VStr, PS4_M

CeGaT Center for Human Genetics Tuebingen
Classification: Pathogenic. Last evaluated: 2024-07-01. Review status: criteria provided, single submitter. Criteria: CeGaT Center For Human Genetics Tuebingen Variant Classification Criteria Version 2. Collection method: clinical testing. Allele origin: germline. Affected: yes. Observed: 1 variant allele.
Comment: PKD2: PVS1, PM2, PM6, PS4:Moderate

Fulgent Genetics
Classification: Pathogenic for Polycystic kidney disease 2. Last evaluated: 2024-04-17. Review status: criteria provided, single submitter. Criteria: ACMG Guidelines, 2015. Collection method: clinical testing. Allele origin: germline.

Labcorp Genetics (formerly Invitae), Labcorp
Classification: Pathogenic for Autosomal dominant polycystic kidney disease. Last evaluated: 2023-10-24. Review status: criteria provided, single submitter. Criteria: Invitae Variant Classification Sherloc (09022015). Collection method: clinical testing. Allele origin: germline.
Comment: This sequence change creates a premature translational stop signal (p.Arg417*) in the PKD2 gene. It is expected to result in an absent or disrupted protein product. Loss-of-function variants in PKD2 are known to be pathogenic (PMID: 17582161, 22863349). This variant is present in population databases (no rsID available, gnomAD 0.007%). This premature translational stop signal has been observed in individual(s) with autosomal dominant polycystic kidney disease (PMID: 9773786, 31740684). ClinVar contains an entry for this variant (Variation ID: 562248). For these reasons, this variant has been classified as Pathogenic.

Blueprint Genetics
Classification: Pathogenic for PKD2-related disorders. Last evaluated: 2023-09-12. Review status: criteria provided, single submitter. Criteria: ACMG Guidelines, 2015. Collection method: clinical testing. Allele origin: germline. Affected: yes. Observed: 5 variant alleles.

Molecular Genetics of Inherited Kidney Disorders Laboratory, Garvan Institute of Medical Research
Classification: Likely pathogenic for Autosomal dominant polycystic kidney disease. Last evaluated: 2022-11-20. Review status: criteria provided, single submitter. Criteria: ACMG Guidelines, 2015. Collection method: research. Allele origin: germline. Affected: yes.

Athena Diagnostics
Classification: Pathogenic. Last evaluated: 2022-10-24. Review status: criteria provided, single submitter. Criteria: Athena Diagnostics Criteria. Collection method: clinical testing. Allele origin: unknown.
Comment: This variant is expected to result in the loss of a functional protein. The frequency of this variant in the general population is consistent with pathogenicity. This variant has been identified in multiple unrelated individuals with clinical features associated with this gene.

GeneDx
Classification: Pathogenic. Last evaluated: 2022-08-18. Review status: criteria provided, single submitter. Criteria: GeneDx Variant Classification Process June 2021. Collection method: clinical testing. Allele origin: germline. Affected: yes.
Comment: Nonsense variant predicted to result in protein truncation or nonsense mediated decay in a gene for which loss of function is a known mechanism of disease; Not observed at significant frequency in large population cohorts (gnomAD); This variant is associated with the following publications: (PMID: 25525159, 9773786, 31740684, 33532864, 30820006, 10760080, 10411676, 34101167, 33964006, 11007674, 15775720, 22508176, 26453610, 22383692, 21115670)